The following is an entry in ClinVar:

NM_000275.3(OCA2):c.903del (p.Ile302fs)

Gene: OCA2 (OCA2 melanosomal transmembrane protein; minus strand). Cytogenetic location: 15q13.1.
Variant type: Deletion.
Coding change: c.903del on transcript NM_000275.3 (MANE Select); coding-DNA position 903, one base deleted (C; older notation c.903delC).
Protein change: p.Ile302fs; shifts the reading frame from isoleucine 302.
Molecular consequence: frameshift variant.
Genome position (GRCh38, 1-based): chr15:28,014,917, G deleted on the plus strand (C on the coding strand, the reverse complement: OCA2 is on the minus strand); the first of 2 consecutive G bases (chr15:28,014,917-28,014,918); deleting either gives the same sequence. VCF-style (leftmost placement, unchanged base first): chr15-28014916-TG-T. GRCh37 (hg19) VCF-style: chr15-28260062-TG-T.
Other names: c.903del, p.Ile302fs (NM_001300984.2); short protein forms I302fs.
Identifiers: ClinVar variation 2747854 (VCV002747854.3), dbSNP rs2548435739, ClinGen allele CA2627380652.

ClinVar aggregate classification (germline): Pathogenic (1 of 4 stars; one submission).

Submission:

Labcorp Genetics (formerly Invitae), Labcorp
Classification: Pathogenic. Last evaluated: 2025-05-05. Review status: criteria provided, single submitter. Criteria: Invitae Variant Classification Sherloc (09022015). Collection method: clinical testing. Allele origin: germline.
Comment: This sequence change creates a premature translational stop signal (p.Ile302Serfs*16) in the OCA2 gene. It is expected to result in an absent or disrupted protein product. Loss-of-function variants in OCA2 are known to be pathogenic (PMID: 19865097, 21541274). This variant is not present in population databases (gnomAD no frequency). This variant has not been reported in the literature in individuals affected with OCA2-related conditions. ClinVar contains an entry for this variant (Variation ID: 2747854). For these reasons, this variant has been classified as Pathogenic.

Literature cited by the submitters: PubMed 19865097; PubMed 21541274.